The following is an entry in ClinVar:

ClinVar aggregate classification (germline): Uncertain significance. Review status: criteria provided, multiple submitters, no conflicts (2 of 4 stars). 2 submissions from 2 submitters: Uncertain significance (2). Last evaluated 2025-07-27.

Allele frequency attached by ClinVar (database versions not stated): gnomAD exomes 0.00004; ExAC 0.00006; gnomAD 0.00011 and 0.00015; TOPMed 0.00021; ESP Exome Variant Server 0.00025.

Submissions (2):

Labcorp Genetics (formerly Invitae), Labcorp
Classification: Uncertain significance. Last evaluated: 2025-07-27. Review status: criteria provided, single submitter. Criteria: Invitae Variant Classification Sherloc (09022015). Collection method: clinical testing. Allele origin: germline.
Comment: This sequence change creates a premature translational stop signal (p.Arg252*) in the ANKZF1 gene. It is expected to result in an absent or disrupted protein product. However, the current clinical and genetic evidence is not sufficient to establish whether loss-of-function variants in ANKZF1 cause disease. This variant is present in population databases (rs199606179, gnomAD 0.04%). This variant has not been reported in the literature in individuals affected with ANKZF1-related conditions. ClinVar contains an entry for this variant (Variation ID: 1445641). Algorithms developed to predict the effect of sequence changes on RNA splicing suggest that this variant may disrupt the consensus splice site. In summary, the available evidence is currently insufficient to determine the role of this variant in disease. Therefore, it has been classified as a Variant of Uncertain Significance.

Mayo Clinic Laboratories, Mayo Clinic
Classification: Uncertain significance. Last evaluated: 2024-07-02. Review status: criteria provided, single submitter. Criteria: ACMG Guidelines, 2015. Collection method: clinical testing. Allele origin: germline. Observed: 1 variant allele.

NM_018089.3(ANKZF1):c.754C>T (p.Arg252Ter)

Gene: ANKZF1 (ankyrin repeat and zinc finger peptidyl tRNA hydrolase 1; plus strand). Cytogenetic location: 2q35.
Variant type: single nucleotide variant.
Coding change: c.754C>T on transcript NM_018089.3 (MANE Select); coding-DNA position 754, C replaced by T.
Protein change: p.Arg252Ter; replaces arginine 252 with a stop codon.
Molecular consequence: nonsense.
Genome position (GRCh38, 1-based): chr2:219,233,368, C>T. VCF-style: chr2-219233368-C-T. GRCh37 (hg19) VCF-style: chr2-220098090-C-T.
Other names: p.Arg252*; c.754C>T, p.Arg252Ter (NM_001042410.2); c.124C>T, p.Arg42Ter (NM_001282792.2); short protein forms R42*, R252*.
Identifiers: ClinVar variation 1445641 (VCV001445641.8), dbSNP rs199606179, ClinGen allele CA2120851.